The following is an entry in ClinVar:

NM_021098.3(CACNA1H):c.5286C>G (p.Ile1762Met)

Gene: CACNA1H (calcium voltage-gated channel subunit alpha1 H; plus strand). Cytogenetic location: 16p13.3.
Variant type: single nucleotide variant.
Coding change: c.5286C>G on transcript NM_021098.3 (MANE Select); coding-DNA position 5286, C replaced by G.
Protein change: p.Ile1762Met; replaces isoleucine 1762 with methionine.
Molecular consequence: missense variant.
Genome position (GRCh38, 1-based): chr16:1,216,973, C>G. VCF-style: chr16-1216973-C-G. GRCh37 (hg19) VCF-style: chr16-1266973-C-G.
Other names: c.5286C>G (NM_021098.2); c.5268C>G, p.Ile1756Met (NM_001005407.2); short protein forms I1756M, I1762M.
Identifiers: ClinVar variation 3753221 (VCV003753221.3).

ClinVar aggregate classification (germline): Uncertain significance. Review status: criteria provided, multiple submitters, no conflicts (2 of 4 stars). 2 submissions from 2 submitters: Uncertain significance (2). Last evaluated 2025-05-19.

Conditions:
Idiopathic generalized epilepsy. Also called: Generalised epilepsy; EIG. Identifiers: MedGen C0270850, MONDO:0005579, OMIM 600669.
Hyperaldosteronism, familial, type IV (HALD4). Also called: FH IV; ALDOSTERONISM, PRIMARY, AND HYPERTENSION. Identifiers: Orphanet 642671, MedGen C4310756, MONDO:0014875, OMIM 617027.
Inborn genetic diseases. Identifiers: MedGen C0950123, MeSH D030342.

gnomAD v4.1: 1 of 1,602,516 alleles (0.000062%); highest among the groups gnomAD compares: African/African-American, 0.0013%; no homozygotes.

Submissions (2):

Ambry Genetics
Classification: Uncertain significance for Inborn genetic diseases. Last evaluated: 2025-05-19. Review status: criteria provided, single submitter. Criteria: Ambry Variant Classification Scheme 2023. Collection method: clinical testing. Allele origin: germline.

Labcorp Genetics (formerly Invitae), Labcorp
Classification: Uncertain significance for Idiopathic generalized epilepsy; Hyperaldosteronism, familial, type IV. Last evaluated: 2024-04-01. Review status: criteria provided, single submitter. Criteria: Invitae Variant Classification Sherloc (09022015). Collection method: clinical testing. Allele origin: germline.
Comment: This sequence change replaces isoleucine, which is neutral and non-polar, with methionine, which is neutral and non-polar, at codon 1762 of the CACNA1H protein (p.Ile1762Met). This variant is not present in population databases (gnomAD no frequency). This variant has not been reported in the literature in individuals affected with CACNA1H-related conditions. Advanced modeling of protein sequence and biophysical properties (such as structural, functional, and spatial information, amino acid conservation, physicochemical variation, residue mobility, and thermodynamic stability) performed at Invitae indicates that this missense variant is expected to disrupt CACNA1H protein function with a positive predictive value of 80%. In summary, the available evidence is currently insufficient to determine the role of this variant in disease. Therefore, it has been classified as a Variant of Uncertain Significance.